The following is an entry in ClinVar:

ClinVar aggregate classification (germline): Conflicting classifications of pathogenicity. Review status: criteria provided, conflicting classifications (1 of 4 stars). 3 submissions from 3 submitters: Uncertain significance (2); Likely benign (1). Last evaluated 2025-02-26.

Allele frequency attached by ClinVar (database versions not stated): ExAC 0.00001; gnomAD 0.00001 and 0.00002; gnomAD exomes 0.00001; TOPMed 0.00001.
gnomAD v4.1: 17 of 1,605,896 alleles (0.0011%); highest among the groups gnomAD compares: Middle Eastern, 0.017%; no homozygotes.

Submissions (3):

Labcorp Genetics (formerly Invitae), Labcorp
Classification: Likely benign. Last evaluated: 2025-02-26. Review status: criteria provided, single submitter. Criteria: Invitae Variant Classification Sherloc (09022015). Collection method: clinical testing. Allele origin: germline.

CeGaT Center for Human Genetics Tuebingen
Classification: Uncertain significance. Last evaluated: 2023-08-01. Review status: criteria provided, single submitter. Criteria: CeGaT Center For Human Genetics Tuebingen Variant Classification Criteria Version 2. Collection method: clinical testing. Allele origin: germline. Affected: yes. Observed: 1 variant allele.
Comment: COL9A1: PM2, BP4

Eurofins Ntd Llc (ga)
Classification: Uncertain significance. Last evaluated: 2018-05-22. Review status: criteria provided, single submitter. Criteria: EGL ClinVar v180209 classification definitions. Collection method: clinical testing. Allele origin: germline. Observed: 4 variant alleles, 3 heterozygotes, 1 homozygote.

NM_001851.6(COL9A1):c.88+7G>C

Gene: COL9A1 (collagen type IX alpha 1 chain; minus strand). Cytogenetic location: 6q13.
Variant type: single nucleotide variant.
Coding change: c.88+7G>C on transcript NM_001851.6 (MANE Select); 7 bases into the intron after coding-DNA position 88, G replaced by C.
Molecular consequence: intron variant.
Genome position (GRCh38, 1-based): chr6:70,301,994, C>G on the plus strand (G>C on the coding strand, the complement: COL9A1 is on the minus strand). VCF-style: chr6-70301994-C-G. GRCh37 (hg19) VCF-style: chr6-71011697-C-G.
Other names: c.88+7G>C (NM_001377291.1).
Identifiers: ClinVar variation 497453 (VCV000497453.33), dbSNP rs755501266, ClinGen allele CA3882939.